The following is an entry in ClinVar:

ClinVar aggregate classification (germline): Uncertain significance (1 of 4 stars; one submission).

Conditions:
Hereditary cancer-predisposing syndrome. Also called: Hereditary Cancer Syndrome; Neoplastic Syndromes, Hereditary; Hereditary neoplastic syndrome; Tumor predisposition. Identifiers: Orphanet 140162, MedGen C0027672, MeSH D009386, MONDO:0015356.

Submission:

Labcorp Genetics (formerly Invitae), Labcorp
Classification: Uncertain significance for Hereditary cancer-predisposing syndrome. Last evaluated: 2022-07-10. Review status: criteria provided, single submitter. Criteria: Invitae Variant Classification Sherloc (09022015). Collection method: clinical testing. Allele origin: germline.
Comment: This sequence change replaces lysine, which is basic and polar, with glutamic acid, which is acidic and polar, at codon 608 of the RAD50 protein (p.Lys608Glu). In summary, the available evidence is currently insufficient to determine the role of this variant in disease. Therefore, it has been classified as a Variant of Uncertain Significance. Algorithms developed to predict the effect of missense changes on protein structure and function are either unavailable or do not agree on the potential impact of this missense change (SIFT: "Tolerated"; PolyPhen-2: "Possibly Damaging"; Align-GVGD: "Class C0"). This variant has not been reported in the literature in individuals affected with RAD50-related conditions. This variant is not present in population databases (gnomAD no frequency).

NM_005732.4(RAD50):c.1822A>G (p.Lys608Glu)

Gene: RAD50 (RAD50 double strand break repair protein; plus strand). Cytogenetic location: 5q31.1.
Variant type: single nucleotide variant.
Coding change: c.1822A>G on transcript NM_005732.4 (MANE Select); coding-DNA position 1822, A replaced by G.
Protein change: p.Lys608Glu; replaces lysine 608 with glutamic acid.
Molecular consequence: missense variant.
Genome position (GRCh38, 1-based): chr5:132,594,897, A>G. VCF-style: chr5-132594897-A-G. GRCh37 (hg19) VCF-style: chr5-131930589-A-G.
Other names: short protein forms K608E.
Identifiers: ClinVar variation 2015653 (VCV002015653.4), dbSNP rs2479649705, ClinGen allele CA360947527.
Genomic context (GRCh38, chr5:132,594,897, plus strand): 5'-AAAATGAAAATCCATATTTGCTCTTATTTTAGCAAGGAACTAGCTTCATCTGAGCAGAAT[A>G]AAAATCATATAAATAATGAACTAAAAAGAAAGGAAGAGCAGTTGTCCAGTTACGAAGACA-3'
Protein context (NP_005723.2, residues 598-618): NKELASSEQN[Lys608Glu]NHINNELKRK